The following is an entry in ClinVar:

ClinVar aggregate classification (germline): Uncertain significance (1 of 4 stars; one submission).

Submission:

Labcorp Genetics (formerly Invitae), Labcorp
Classification: Uncertain significance. Last evaluated: 2022-08-16. Review status: criteria provided, single submitter. Criteria: Invitae Variant Classification Sherloc (09022015). Collection method: clinical testing. Allele origin: germline.
Comment: In summary, the available evidence is currently insufficient to determine the role of this variant in disease. Therefore, it has been classified as a Variant of Uncertain Significance. Experimental studies and prediction algorithms are not available or were not evaluated, and the functional significance of this variant is currently unknown. This variant has not been reported in the literature in individuals affected with CEP78-related conditions. This variant is a gross deletion of the genomic region encompassing exon(s) 16 of the CEP78 gene, which includes the termination codon. This deletion extends beyond the assayed region for this gene and therefore may encompass additional genes. While this deletion is not anticipated to lead to nonsense mediated decay, it is expected to alter mRNA translation or result in a truncated protein product.

NC_000009.11:g.(?_80881338)_(80881678_?)del

Gene: CEP78 (centrosomal protein 78; plus strand). Cytogenetic location: 9q21.2.
Variant type: Deletion.
Identifiers: ClinVar variation 2423689 (VCV002423689.4).